The following is an entry in ClinVar:

NM_000313.4(PROS1):c.1069G>A (p.Gly357Arg)

Gene: PROS1 (protein S; minus strand). Cytogenetic location: 3q11.1.
Variant type: single nucleotide variant.
Coding change: c.1069G>A on transcript NM_000313.4 (MANE Select); coding-DNA position 1069, G replaced by A.
Protein change: p.Gly357Arg; replaces glycine 357 with arginine.
Molecular consequence: missense variant.
Genome position (GRCh38, 1-based): chr3:93,893,019, C>T on the plus strand (G>A on the coding strand, the complement: PROS1 is on the minus strand). VCF-style: chr3-93893019-C-T. GRCh37 (hg19) VCF-style: chr3-93611863-C-T.
Other names: c.1165G>A, p.Gly389Arg (NM_001314077.2); short protein forms G389R, G357R.
Identifiers: ClinVar variation 2734549 (VCV002734549.5), dbSNP rs941433523, ClinGen allele CA78482367.

ClinVar aggregate classification (germline): Conflicting classifications of pathogenicity. Review status: criteria provided, conflicting classifications (1 of 4 stars). 3 submissions from 3 submitters: Likely pathogenic (1); Uncertain significance (1). 1 of the submissions does not count toward it. Last evaluated 2025-01-29.

Conditions:
Thrombophilia due to protein S deficiency, autosomal dominant (THPH5). Identifiers: Orphanet 26349, Orphanet 743, MedGen C3278211, MONDO:0012868, OMIM 612336. Disease mechanism: loss of function.
PROS1-related disorder. Also called: PROS1-related condition.
Thrombophilia due to protein S deficiency, autosomal recessive (THPH6). Identifiers: Orphanet 743, MedGen C3281092, MONDO:0013791, OMIM 614514. Disease mechanism: loss of function.

Allele frequency attached by ClinVar (database versions not stated): TOPMed below 0.00001; gnomAD 0.00001.

Submissions (3):

Labcorp Genetics (formerly Invitae), Labcorp
Classification: Uncertain significance for Thrombophilia due to protein S deficiency, autosomal recessive. Last evaluated: 2025-01-29. Review status: criteria provided, single submitter. Criteria: Invitae Variant Classification Sherloc (09022015). Collection method: clinical testing. Allele origin: germline.
Comment: This sequence change replaces glycine, which is neutral and non-polar, with arginine, which is basic and polar, at codon 357 of the PROS1 protein (p.Gly357Arg). This variant is not present in population databases (gnomAD no frequency). This missense change has been observed in individual(s) with protein S deficiency (PMID: 15712227). ClinVar contains an entry for this variant (Variation ID: 2734549). Invitae Evidence Modeling of protein sequence and biophysical properties (such as structural, functional, and spatial information, amino acid conservation, physicochemical variation, residue mobility, and thermodynamic stability) indicates that this missense variant is expected to disrupt PROS1 protein function with a positive predictive value of 80%. Studies have shown that this missense change does not significantly alter or has an unclear effect on PROS1 gene expression (PMID: 15712227). In summary, the available evidence is currently insufficient to determine the role of this variant in disease. Therefore, it has been classified as a Variant of Uncertain Significance.

Blueprint Genetics
Classification: Likely pathogenic for PROS1-related disorders. Last evaluated: 2024-10-23. Review status: criteria provided, single submitter. Criteria: ACMG Guidelines, 2015. Collection method: clinical testing. Allele origin: germline. Affected: yes. Observed: 2 variant alleles.

Department of Transfusion Medicine and Hemostaseology, University Hospital Erlangen
Classification: Likely pathogenic for Thrombophilia due to protein S deficiency, autosomal dominant. Last evaluated: 2025-09-01. Review status: no assertion criteria provided. Collection method: clinical testing. Allele origin: germline. Not counted in ClinVar's aggregate classification.
Comment: This variant was identified during a screening of patients with suspected hereditary Protein S deficiency. It has been described insufficiently in the literature as correlating with protein S deficiency, but has been characterized in vitro as causative (PMID: 15712227, 16409486). According to dbSNP it represents a very rare genetic alteration, previously not detected in the European population according to the Allele Frequency Aggregator dataset. Several in silico variant effect prediction tools (PolyPhen-2, SIFT, AlphaMissense) classify this variant as likely pathogenic. Taken together, we classified this variant as likely pathogenic.

Literature cited by the submitters: PubMed 15712227 (cited by Labcorp Genetics (formerly Invitae), Labcorp and Department of Transfusion Medicine and Hemostaseology, University Hospital Erlangen); PubMed 16409486 (cited by Department of Transfusion Medicine and Hemostaseology, University Hospital Erlangen).